The following is an entry in ClinVar:

NM_001130823.3(DNMT1):c.957A>T (p.Glu319Asp)

Gene: DNMT1 (DNA methyltransferase 1; minus strand). Cytogenetic location: 19p13.2.
Variant type: single nucleotide variant.
Coding change: c.957A>T on transcript NM_001130823.3 (MANE Select); coding-DNA position 957, A replaced by T.
Protein change: p.Glu319Asp; replaces glutamic acid 319 with aspartic acid.
Molecular consequence: missense variant.
Genome position (GRCh38, 1-based): chr19:10,162,718, T>A on the plus strand (A>T on the coding strand, the complement: DNMT1 is on the minus strand). VCF-style: chr19-10162718-T-A. GRCh37 (hg19) VCF-style: chr19-10273394-T-A.
Other names: c.957A>T (NM_001130823.2); c.909A>T, p.Glu303Asp (NM_001318730.2, NM_001379.4); c.594A>T, p.Glu198Asp (NM_001318731.2); short protein forms E198D, E303D, E319D.
Identifiers: ClinVar variation 2148549 (VCV002148549.5), dbSNP rs1179101598, ClinGen allele CA403940788.

ClinVar aggregate classification (germline): Uncertain significance. Review status: criteria provided, multiple submitters, no conflicts (2 of 4 stars). 2 submissions from 2 submitters: Uncertain significance (2). Last evaluated 2024-05-15.

Conditions:
DNMT1-related disorder. Also called: DNMT1-related condition. Identifiers: MedGen CN381527.
Hereditary sensory neuropathy-deafness-dementia syndrome. Also called: Hereditary Sensory and Autonomic Neuropathy Type 1E (HSAN1E); Hereditary sensory neuropathy type IE; HSN IE; NEUROPATHY, HEREDITARY SENSORY, WITH HEARING LOSS AND DEMENTIA. Identifiers: Orphanet 456318, MedGen C3279885, MONDO:0013584, OMIM 614116.

gnomAD v4.1: 4 of 1,613,874 alleles (0.00025%); highest among the groups gnomAD compares: Non-Finnish European, 0.00034%; no homozygotes.

Submissions (2):

Labcorp Genetics (formerly Invitae), Labcorp
Classification: Uncertain significance for Hereditary sensory neuropathy-deafness-dementia syndrome. Last evaluated: 2024-05-15. Review status: criteria provided, single submitter. Criteria: Invitae Variant Classification Sherloc (09022015). Collection method: clinical testing. Allele origin: germline.
Comment: This sequence change replaces glutamic acid, which is acidic and polar, with aspartic acid, which is acidic and polar, at codon 319 of the DNMT1 protein (p.Glu319Asp). This variant is present in population databases (no rsID available, gnomAD 0.002%). This variant has not been reported in the literature in individuals affected with DNMT1-related conditions. ClinVar contains an entry for this variant (Variation ID: 2148549). An algorithm developed to predict the effect of missense changes on protein structure and function (PolyPhen-2) suggests that this variant is likely to be tolerated. In summary, the available evidence is currently insufficient to determine the role of this variant in disease. Therefore, it has been classified as a Variant of Uncertain Significance.

PreventionGenetics, part of Exact Sciences
Classification: Uncertain significance for DNMT1-related condition. Last evaluated: 2022-12-05. Review status: criteria provided, single submitter. Criteria: ACMG Guidelines, 2015. Collection method: clinical testing. Allele origin: germline.
Comment: The DNMT1 c.957A>T variant is predicted to result in the amino acid substitution p.Glu319Asp. To our knowledge, this variant has not been reported in the literature. This variant is reported in 0.0015% of alleles in individuals of European (Non-Finnish) descent in gnomAD. At this time, the clinical significance of this variant is uncertain due to the absence of conclusive functional and genetic evidence.